The following is an entry in ClinVar:

ClinVar aggregate classification (germline): Conflicting classifications of pathogenicity. Review status: criteria provided, conflicting classifications (1 of 4 stars). 3 submissions from 3 submitters: Uncertain significance (2); Benign (1). Last evaluated 2025-08-08.

Conditions:
Ullrich congenital muscular dystrophy 1A. Also called: Ullrich congenital muscular dystrophy 1; Intermediate COL6-RD. Identifiers: Orphanet 75840, MedGen C0410179, MONDO:0009681, OMIM 254090.
Bethlem myopathy 1A. Also called: Bethlem myopathy 1; Bethlem Muscular Dystrophy; MYOPATHY, BENIGN CONGENITAL, WITH CONTRACTURES. Identifiers: Orphanet 610, MedGen CN029274, MONDO:0024530, OMIM 158810.

Allele frequency attached by ClinVar (database versions not stated): ExAC 0.00005; TOPMed 0.00002; gnomAD 0.00003.
gnomAD v4.1: 20 of 1,595,054 alleles (0.0013%); highest among the groups gnomAD compares: East Asian, 0.0068%; no homozygotes.

Submissions (3):

Labcorp Genetics (formerly Invitae), Labcorp
Classification: Benign for Bethlem myopathy 1A. Last evaluated: 2025-08-08. Review status: criteria provided, single submitter. Criteria: Invitae Variant Classification Sherloc (09022015). Collection method: clinical testing. Allele origin: germline.

Centre for Mendelian Genomics, University Medical Centre Ljubljana
Classification: Uncertain significance for Ullrich congenital muscular dystrophy 1A. Last evaluated: 2020-01-09. Review status: criteria provided, single submitter. Criteria: ACMG Guidelines, 2015. Collection method: clinical testing. Allele origin: unknown. Affected: yes.
Comment: This variant was classified as: Uncertain significance. The available evidence on this variant's pathogenicity is insufficient or conflicting. The following ACMG criteria were applied in classifying this variant: PP3.

Eurofins Ntd Llc (ga)
Classification: Uncertain significance. Last evaluated: 2012-09-05. Review status: criteria provided, single submitter. Criteria: EGL Classification Definitions 2015. Collection method: clinical testing. Allele origin: germline. Observed: 1 variant allele, 1 heterozygote.

NM_001848.3(COL6A1):c.1505C>T (p.Pro502Leu)

Gene: COL6A1 (collagen type VI alpha 1 chain; plus strand). Cytogenetic location: 21q22.3.
Variant type: single nucleotide variant.
Coding change: c.1505C>T on transcript NM_001848.3 (MANE Select); coding-DNA position 1505, C replaced by T.
Protein change: p.Pro502Leu; replaces proline 502 with leucine.
Molecular consequence: missense variant.
Genome position (GRCh38, 1-based): chr21:45,997,743, C>T. VCF-style: chr21-45997743-C-T. GRCh37 (hg19) VCF-style: chr21-47417657-C-T.
Identifiers: ClinVar variation 93818 (VCV000093818.12), dbSNP rs398123632, ClinGen allele CA221753.